The following is an entry in ClinVar:

NM_058004.4(PI4KA):c.1820+6C>T

Gene: PI4KA (phosphatidylinositol 4-kinase alpha; minus strand). Cytogenetic location: 22q11.21.
Variant type: single nucleotide variant.
Coding change: c.1820+6C>T on transcript NM_058004.4 (MANE Select); 6 bases into the intron after coding-DNA position 1820, C replaced by T.
Molecular consequence: intron variant.
Genome position (GRCh38, 1-based): chr22:20,799,665, G>A on the plus strand (C>T on the coding strand, the complement: PI4KA is on the minus strand). VCF-style: chr22-20799665-G-A. GRCh37 (hg19) VCF-style: chr22-21153953-G-A.
Other names: c.1754+6C>T (NM_001362863.2); c.1820+6C>T (NM_001362862.2).
Identifiers: ClinVar variation 3055174 (VCV003055174.2), dbSNP rs1935186329, ClinGen allele CA2396546848.

ClinVar aggregate classification (germline): Likely benign (0 of 4 stars; one submission).

Conditions:
PI4KA-related disorder. Also called: PI4KA-related disorders; PI4KA-related condition. Identifiers: MedGen CN378147, MONDO:1040012.

Allele frequency attached by ClinVar (database versions not stated): gnomAD exomes below 0.00001; TOPMed below 0.00001.

Submission:

PreventionGenetics, part of Exact Sciences
Classification: Likely benign for PI4KA-related condition. Last evaluated: 2020-03-30. Review status: no assertion criteria provided. Collection method: clinical testing. Allele origin: germline.
Comment: This variant is classified as likely benign based on ACMG/AMP sequence variant interpretation guidelines (Richards et al. 2015 PMID: 25741868, with internal and published modifications).